The following is an entry in ClinVar:

ClinVar aggregate classification (germline): Uncertain significance (1 of 4 stars; one submission).

Conditions:
Congenital myopathy with internal nuclei and atypical cores. Also called: Myopathy, centronuclear, 4. Identifiers: Orphanet 319160, MedGen C4707232, MONDO:0013890, OMIM 614807.

Allele frequency attached by ClinVar (database versions not stated): gnomAD 0.00001; TOPMed 0.00001.
gnomAD v4.1: 2 of 1,612,672 alleles (0.00012%); highest among the groups gnomAD compares: Admixed American, 0.0017%; no homozygotes.

Submission:

Labcorp Genetics (formerly Invitae), Labcorp
Classification: Uncertain significance for Congenital myopathy with internal nuclei and atypical cores. Last evaluated: 2024-03-22. Review status: criteria provided, single submitter. Criteria: Invitae Variant Classification Sherloc (09022015). Collection method: clinical testing. Allele origin: germline.
Comment: This sequence change replaces lysine, which is basic and polar, with methionine, which is neutral and non-polar, at codon 170 of the CCDC78 protein (p.Lys170Met). This variant is not present in population databases (gnomAD no frequency). This variant has not been reported in the literature in individuals affected with CCDC78-related conditions. ClinVar contains an entry for this variant (Variation ID: 1402057). Advanced modeling of protein sequence and biophysical properties (such as structural, functional, and spatial information, amino acid conservation, physicochemical variation, residue mobility, and thermodynamic stability) performed at Invitae indicates that this missense variant is not expected to disrupt CCDC78 protein function with a negative predictive value of 80%. In summary, the available evidence is currently insufficient to determine the role of this variant in disease. Therefore, it has been classified as a Variant of Uncertain Significance.

NM_001378030.1(CCDC78):c.509A>T (p.Lys170Met)

Gene: CCDC78 (coiled-coil domain containing 78; minus strand). Cytogenetic location: 16p13.3.
Variant type: single nucleotide variant.
Coding change: c.509A>T on transcript NM_001378030.1 (MANE Select); coding-DNA position 509, A replaced by T.
Protein change: p.Lys170Met; replaces lysine 170 with methionine.
Molecular consequence: missense variant. On other transcripts: non-coding transcript variant (5).
Genome position (GRCh38, 1-based): chr16:725,129, T>A on the plus strand (A>T on the coding strand, the complement: CCDC78 is on the minus strand). VCF-style: chr16-725129-T-A. GRCh37 (hg19) VCF-style: chr16-775129-T-A.
Other names: c.509A>T, p.Lys170Met (NM_001031737.3, NM_001378031.1); c.147A>T, p.Glu49Asp (NM_001378033.1); short protein forms E49D, K170M.
Identifiers: ClinVar variation 1402057 (VCV001402057.6), dbSNP rs1555486210, ClinGen allele CA394102389.